The following is an entry in ClinVar:

NM_012330.4(KAT6B):c.3214G>T (p.Glu1072Ter)

Gene: KAT6B (lysine acetyltransferase 6B; plus strand). Cytogenetic location: 10q22.2.
Variant type: single nucleotide variant.
Coding change: c.3214G>T on transcript NM_012330.4 (MANE Select); coding-DNA position 3214, G replaced by T.
Protein change: p.Glu1072Ter; replaces glutamic acid 1072 with a stop codon.
Molecular consequence: nonsense.
Genome position (GRCh38, 1-based): chr10:75,022,073, G>T. VCF-style: chr10-75022073-G-T. GRCh37 (hg19) VCF-style: chr10-76781831-G-T.
Other names: c.2665G>T, p.Glu889Ter (NM_001256468.2, NM_001370138.1); c.2338G>T, p.Glu780Ter (NM_001256469.2, NM_001370139.1, NM_001370140.1 and 2 more transcripts); c.2176G>T, p.Glu726Ter (NM_001370132.1); c.1525G>T, p.Glu509Ter (NM_001370133.1); c.1129G>T, p.Glu377Ter (NM_001370134.1); c.871G>T, p.Glu291Ter (NM_001370135.1); c.3214G>T, p.Glu1072Ter (NM_001370136.1, NM_001370137.1); c.2149G>T, p.Glu717Ter (NM_001370143.1, NM_001370144.1); short protein forms E1072*, E291*, E377*, E509*, E717*, E726*, E780*, E889*.
Identifiers: ClinVar variation 4687907 (VCV004687907.1).

ClinVar aggregate classification (germline): Likely pathogenic (1 of 4 stars; one submission).

Conditions:
Genitopatellar syndrome (GTPTS). Also called: ABSENT PATELLAE, SCROTAL HYPOPLASIA, RENAL ANOMALIES, FACIAL DYSMORPHISM, AND MENTAL RETARDATION; Genitopatellar syndrome (GPS). Identifiers: Orphanet 85201, MedGen C1853566, MONDO:0011640, OMIM 606170.
Blepharophimosis - intellectual disability syndrome, SBBYS type (SBBYSS). Also called: Say-Barber-Biesecker-Young-Simpson variant of Ohdo Syndrome; Say-Barber-Biesecker Variant of Ohdo Syndrome; Young Simpson syndrome; Mental retardation unusual facies hypothyroidism; Say-Barber-Biesecker variant of Ohdo syndrome (SBBYSS); Ohdo syndrome, SBBYS variant. Identifiers: Orphanet 3047, MedGen C1863557, MONDO:0011365, OMIM 603736.

Submission:

Human Genetics Bochum, Ruhr University Bochum
Classification: Likely pathogenic for Genitopatellar syndrome; Blepharophimosis - intellectual disability syndrome, SBBYS type. Last evaluated: 2025-03-20. Review status: criteria provided, single submitter. Criteria: ACMG Guidelines, 2015. Collection method: clinical testing. Allele origin: germline. Affected: yes.
Comment: ACMG criteria used to clasify this variant: PVS1, PM2_SUP